The following is an entry in ClinVar:

NM_000179.3(MSH6):c.2308_2312delinsT (p.Gly770fs)

Gene: MSH6 (mutS homolog 6; plus strand). Cytogenetic location: 2p16.3.
Variant type: Indel.
Coding change: c.2308_2312delinsT on transcript NM_000179.3 (MANE Select); coding-DNA positions 2308 to 2312, GGTAA replaced by T.
Protein change: p.Gly770fs; shifts the reading frame from glycine 770.
Molecular consequence: frameshift variant.
Genome position (GRCh38, 1-based): chr2:47,800,291-47,800,295, GGTAA replaced by T. VCF-style: chr2-47800291-GGTAA-T. GRCh37 (hg19) VCF-style: chr2-48027430-GGTAA-T.
Other names: c.1918_1922delinsT, p.Gly640fs (NM_001281492.2); c.1402_1406delinsT, p.Gly468fs (NM_001281493.2, NM_001281494.2); c.2308_2312delGGTAAinsT (NM_000179.2); short protein forms G468fs, G640fs, G770fs.
Identifiers: ClinVar variation 220570 (VCV000220570.10), dbSNP rs864622585, ClinGen allele CA349076.

ClinVar aggregate classification (germline): Pathogenic. Review status: criteria provided, multiple submitters, no conflicts (2 of 4 stars). 5 submissions from 4 submitters: Pathogenic (5). Last evaluated 2023-08-16.

Conditions:
Hereditary cancer-predisposing syndrome. Also called: Hereditary neoplastic syndrome; Tumor predisposition; Hereditary Cancer Syndrome; Neoplastic Syndromes, Hereditary. Identifiers: Orphanet 140162, MedGen C0027672, MeSH D009386, MONDO:0015356.
Hereditary nonpolyposis colorectal neoplasms. Identifiers: MedGen C0009405, MeSH D003123.
Lynch syndrome. Identifiers: Orphanet 144, MedGen C4552100, MONDO:0005835. Disease mechanism: loss of function.
Lynch syndrome 5 (LYNCH5). Also called: Colorectal cancer, hereditary nonpolyposis, type 5; Hereditary non-polyposis colorectal cancer, type 5. Identifiers: Orphanet 144, MedGen C1833477, MONDO:0013710, OMIM 614350. Disease mechanism: loss of function.

Submissions (5):

Myriad Genetics, Inc.
Classification: Pathogenic for Lynch syndrome 5. Last evaluated: 2023-08-16. Review status: criteria provided, single submitter. Criteria: Myriad Autosomal Dominant, Autosomal Recessive and X-Linked Classification Criteria (2023). Collection method: clinical testing. Allele origin: unknown.
Comment: This variant is considered pathogenic. This variant creates a frameshift predicted to result in premature protein truncation.

Color Diagnostics, LLC DBA Color Health
Classification: Pathogenic for Hereditary cancer-predisposing syndrome. Last evaluated: 2022-04-26. Review status: criteria provided, single submitter. Criteria: ACMG Guidelines, 2015. Collection method: clinical testing. Allele origin: germline.
Comment: This variant deletes 5 nucleotides and inserts 1 new nucleotide in exon 4 of the MSH6 gene, creating a frameshift and premature translation stop signal. This variant is expected to result in an absent or non-functional protein product. This variant has been reported in individuals affected with Lynch syndrome (PMID: 28874130), or endometrial cancer (PMID: 31068090). This variant has not been identified in the general population by the Genome Aggregation Database (gnomAD). Loss of MSH6 function is a known mechanism of disease. Based on the available evidence, this variant is classified as Pathogenic.

Labcorp Genetics (formerly Invitae), Labcorp
Classification: Pathogenic for Hereditary nonpolyposis colorectal neoplasms. Last evaluated: 2018-05-29. Review status: criteria provided, single submitter. Criteria: Invitae Variant Classification Sherloc (09022015). Collection method: clinical testing. Allele origin: germline.
Comment: For these reasons, this variant has been classified as Pathogenic. Loss-of-function variants in MSH6 are known to be pathogenic (PMID: 18269114, 24362816). This variant has been reported in an individual affected with Lynch syndrome (PMID: 28874130, 10612827). The variant is also known as c.2308_2313delGGTAAGinsTG. ClinVar contains an entry for this variant (Variation ID: 220570). This variant is not present in population databases (ExAC no frequency). This sequence change deletes 5 nucleotides and inserts 1 nucleotide in exon 4 of the MSH6 mRNA (c.2308_2312delinsT), causing a frameshift at codon 770. This creates a premature translational stop signal (p.Gly770Cysfs*4) and is expected to result in an absent or disrupted protein product

Labcorp Genetics (formerly Invitae), Labcorp
Classification: Pathogenic for Hereditary nonpolyposis colorectal neoplasms. Last evaluated: 2015-10-14. Review status: criteria provided, single submitter. Criteria: Invitae Variant Classification Sherloc (09022015). Collection method: clinical testing. Allele origin: germline.
Comment: This sequence change deletes 5 nucleotides and inserts 1 nucleotide in exon 4 of the MSH6 mRNA (c.2308_2312delGGTAAinsT), causing a frameshift at codon 770. This creates a premature translational stop signal (p.Gly770Cysfs*4) and is expected to result in an absent or disrupted protein product. While this particular variant has not been reported in the literature, truncating variants in MSH6 are known to be pathogenic (PMID: 24362816, 18269114). For these reasons, this variant has been classified as Pathogenic.

Ambry Genetics
Classification: Pathogenic for Hereditary cancer-predisposing syndrome. Last evaluated: 2015-08-31. Review status: criteria provided, single submitter. Criteria: Ambry Autosomal Dominant and X-Linked criteria (10/2015). Collection method: clinical testing. Allele origin: germline. Observed: 1 variant allele.
Comment: The c.2308_2313delGGTAAGinsTG pathogenic mutation, located in coding exon 4 of the MSH6 gene, results from the deletion of 6 nucleotides and insertion of two nucleotides causing a translational frameshift with a predicted alternate stop codon. Since frameshifts are typically deleterious in nature, this alteration is interpreted as a disease-causing mutation (ACMG Recommendations for Standards for Interpretation and Reporting of Sequence Variations. Revision 2007. Genet Med. 2008;10:294).

Literature cited by the submitters: PubMed 28874130 (cited by Color Diagnostics, LLC DBA Color Health and Labcorp Genetics (formerly Invitae), Labcorp); PubMed 31068090 (cited by Color Diagnostics, LLC DBA Color Health); PubMed 18269114 (cited by Labcorp Genetics (formerly Invitae), Labcorp); PubMed 24362816 (cited by Labcorp Genetics (formerly Invitae), Labcorp); PubMed 10612827 (cited by Labcorp Genetics (formerly Invitae), Labcorp).